The following is an entry in ClinVar:

NM_021815.5(SLC5A7):c.897C>G (p.Asp299Glu)

Gene: SLC5A7 (solute carrier family 5 member 7; plus strand). Cytogenetic location: 2q12.3.
Variant type: single nucleotide variant.
Coding change: c.897C>G on transcript NM_021815.5 (MANE Select); coding-DNA position 897, C replaced by G.
Protein change: p.Asp299Glu; replaces aspartic acid 299 with glutamic acid.
Molecular consequence: missense variant.
Genome position (GRCh38, 1-based): chr2:108,008,466, C>G. VCF-style: chr2-108008466-C-G. GRCh37 (hg19) VCF-style: chr2-108624922-C-G.
Other names: c.897C>G, p.Asp299Glu (NM_001305005.3); c.582C>G, p.Asp194Glu (NM_001305006.3); c.156C>G, p.Asp52Glu (NM_001305007.3); short protein forms D299E, D194E, D52E.
Identifiers: ClinVar variation 1479694 (VCV001479694.8), dbSNP rs1370287710, ClinGen allele CA348113377.
Genomic context (GRCh38, chr2:108,008,466, plus strand): 5'-ATGGATAAAGAACATTTGGTTCCTTGGTGGTTATAATGGTTGTTGATTCTGTTCAACAGA[C>G]TGGAACCAGACTGCATATGGGCTTCCAGATCCCAAGACTACAGAAGAGGCAGACATGATT-3'
Protein context (NP_068587.1, residues 289-309): ILIGAIGAST[Asp299Glu]WNQTAYGLPD

ClinVar aggregate classification (germline): Uncertain significance (1 of 4 stars; one submission).

Conditions:
Neuronopathy, distal hereditary motor, type 7A. Also called: Neuronopathy, distal hereditary motor, type viia; NEURONOPATHY, DISTAL HEREDITARY MOTOR, HARDING TYPE VIIA; NEUROPATHY, DISTAL HEREDITARY MOTOR, HARDING TYPE VIIA; Neuronopathy, distal hereditary motor, autosomal dominant 7; HARPER-YOUNG MYOPATHY; HMN VIIA. Identifiers: Orphanet 139589, MedGen C1834703, MONDO:0008024, OMIM 158580.
Congenital myasthenic syndrome 20. Also called: Myasthenic syndrome, congenital, 20, presynaptic. Identifiers: MedGen C4310694, MONDO:0014939, OMIM 617143.

Allele frequency attached by ClinVar (database versions not stated): gnomAD 0.00001.
gnomAD v4.1: 2 of 1,612,682 alleles (0.00012%); highest among the groups gnomAD compares: African/African-American, 0.0027%; no homozygotes.

Submission:

Labcorp Genetics (formerly Invitae), Labcorp
Classification: Uncertain significance for Neuronopathy, distal hereditary motor, type 7A; Congenital myasthenic syndrome 20. Last evaluated: 2021-06-14. Review status: criteria provided, single submitter. Criteria: Invitae Variant Classification Sherloc (09022015). Collection method: clinical testing. Allele origin: germline.
Comment: In summary, the available evidence is currently insufficient to determine the role of this variant in disease. Therefore, it has been classified as a Variant of Uncertain Significance. Algorithms developed to predict the effect of missense changes on protein structure and function are either unavailable or do not agree on the potential impact of this missense change (SIFT: "Tolerated"; PolyPhen-2: "Possibly Damaging"; Align-GVGD: "Class C0"). This variant has not been reported in the literature in individuals with SLC5A7-related conditions. This variant is not present in population databases (ExAC no frequency). This sequence change replaces aspartic acid with glutamic acid at codon 299 of the SLC5A7 protein (p.Asp299Glu). The aspartic acid residue is highly conserved and there is a small physicochemical difference between aspartic acid and glutamic acid.